The following is an entry in ClinVar:

NM_001242896.3(DEPDC5):c.3019C>T (p.Arg1007Trp)

Gene: DEPDC5 (DEP domain containing 5, GATOR1 subcomplex subunit; plus strand). Cytogenetic location: 22q12.3.
Variant type: single nucleotide variant.
Coding change: c.3019C>T on transcript NM_001242896.3 (MANE Select); coding-DNA position 3019, C replaced by T.
Protein change: p.Arg1007Trp; replaces arginine 1007 with tryptophan.
Molecular consequence: missense variant. On other transcripts: non-coding transcript variant (5).
Genome position (GRCh38, 1-based): chr22:31,845,235, C>T. VCF-style: chr22-31845235-C-T. GRCh37 (hg19) VCF-style: chr22-32241221-C-T.
Other names: c.2992C>T, p.Arg998Trp (NM_001136029.4, NM_001369903.1, NM_014662.6); c.2785C>T, p.Arg929Trp (NM_001242897.2, NM_001363854.2, NM_001364319.2); c.3019C>T, p.Arg1007Trp (NM_001363852.2, NM_001364318.2, NM_001364320.2); c.2935C>T, p.Arg979Trp (NM_001369901.1, NM_001369902.1); short protein forms R979W, R929W, R998W, R1007W.
Identifiers: ClinVar variation 939121 (VCV000939121.8), dbSNP rs1283955876, ClinGen allele CA411291581.
Genomic context (GRCh38, chr22:31,845,235, plus strand): 5'-GTCCGCTTTGTGGAGGGCTTGAATCGCATTCGCAGGCGGCATCGCTCGGATCGCATGATG[C>T]GGGTAAGGGCTCCTTAGACTCAGGGAGTGCGCCTGGTGTGAGATGCAGGGCCTGCCACCT-3'
Protein context (NP_001229825.1, residues 997-1017): RRRHRSDRMM[Arg1007Trp]KGTAMKGLQM

ClinVar aggregate classification (germline): Uncertain significance. Review status: criteria provided, multiple submitters, no conflicts (2 of 4 stars). 2 submissions from 2 submitters: Uncertain significance (2). Last evaluated 2024-07-04.

Conditions:
Familial focal epilepsy with variable foci (FPEVF). Identifiers: Orphanet 98820, MedGen C1858477, MONDO:0020310.

Allele frequency attached by ClinVar (database versions not stated): gnomAD exomes below 0.00001 and 0.00001; gnomAD 0.00001; TOPMed 0.00001.
gnomAD v4.1: 9 of 1,612,604 alleles (0.00056%); highest among the groups gnomAD compares: African/African-American, 0.0013%; no homozygotes.

Submissions (2):

Blueprint Genetics
Classification: Uncertain significance. Last evaluated: 2024-07-04. Review status: criteria provided, single submitter. Criteria: ACMG Guidelines, 2015. Collection method: clinical testing. Allele origin: germline.

Labcorp Genetics (formerly Invitae), Labcorp
Classification: Uncertain significance for Familial focal epilepsy with variable foci. Last evaluated: 2024-04-25. Review status: criteria provided, single submitter. Criteria: Invitae Variant Classification Sherloc (09022015). Collection method: clinical testing. Allele origin: germline.
Comment: This sequence change replaces arginine, which is basic and polar, with tryptophan, which is neutral and slightly polar, at codon 1007 of the DEPDC5 protein (p.Arg1007Trp). The frequency data for this variant in the population databases is considered unreliable, as metrics indicate poor data quality at this position in the gnomAD database. This variant has not been reported in the literature in individuals affected with DEPDC5-related conditions. ClinVar contains an entry for this variant (Variation ID: 939121). Experimental studies and prediction algorithms are not available or were not evaluated, and the functional significance of this variant is currently unknown. In summary, the available evidence is currently insufficient to determine the role of this variant in disease. Therefore, it has been classified as a Variant of Uncertain Significance.